The following is an entry in ClinVar:

ClinVar aggregate classification (germline): Uncertain significance (1 of 4 stars; one submission).

Conditions:
Progressive sclerosing poliodystrophy (MTDPS4A). Also called: Mitochondrial DNA depletion syndrome 4A (Alpers type); ALPERS PROGRESSIVE INFANTILE POLIODYSTROPHY; NEURONAL DEGENERATION OF CHILDHOOD WITH LIVER DISEASE, PROGRESSIVE; Alpers Syndrome; ALPERS DIFFUSE DEGENERATION OF CEREBRAL GRAY MATTER WITH HEPATIC CIRRHOSIS; Alpers-Huttenlocher Syndrome. Identifiers: Orphanet 726, MedGen C0205710, MONDO:0008758, OMIM 203700.

Submission:

Labcorp Genetics (formerly Invitae), Labcorp
Classification: Uncertain significance for Progressive sclerosing poliodystrophy. Last evaluated: 2025-07-03. Review status: criteria provided, single submitter. Criteria: Invitae Variant Classification Sherloc (09022015). Collection method: clinical testing. Allele origin: germline.
Comment: This variant, c.125_145del, results in the deletion of 7 amino acid(s) of the POLG protein (p.Arg42_Gln48del), but otherwise preserves the integrity of the reading frame. The frequency data for this variant in the population databases is considered unreliable, as metrics indicate poor data quality at this position in the gnomAD database. This variant has not been reported in the literature in individuals affected with POLG-related conditions. ClinVar contains an entry for this variant (Variation ID: 2196407). Experimental studies and prediction algorithms are not available or were not evaluated, and the functional significance of this variant is currently unknown. In summary, the available evidence is currently insufficient to determine the role of this variant in disease. Therefore, it has been classified as a Variant of Uncertain Significance.

NM_002693.3(POLG):c.125_145del (p.Arg42_Gln48del)

Genes: POLG (DNA polymerase gamma, catalytic subunit; minus strand), POLGARF (POLG alternative reading frame; minus strand). Cytogenetic location: 15q26.1.
Variant type: Deletion.
Coding change: c.125_145del on transcript NM_002693.3 (MANE Select); coding-DNA positions 125 to 145, 21 bases deleted (GGCAGCAGCAGCAGCAGCAGC).
Protein change: p.Arg42_Gln48del.
Molecular consequence: inframe deletion.
Genome position (GRCh38, 1-based): chr15:89,333,610-89,333,630, GCTGCTGCTGCTGCTGCTGCC deleted on the plus strand (GGCAGCAGCAGCAGCAGCAGC on the coding strand, the reverse complement: POLG is on the minus strand); deleting any 21 consecutive bases within chr15:89,333,610-89,333,632 gives the same sequence; the c. name uses the placement nearest the transcript's 3' end. VCF-style (leftmost placement, unchanged base first): chr15-89333609-TGCTGCTGCTGCTGCTGCTGCC-T. GRCh37 (hg19) VCF-style: chr15-89876840-TGCTGCTGCTGCTGCTGCTGCC-T.
Other names: c.125_145del, p.Arg42_Gln48del (NM_001126131.2).
Identifiers: ClinVar variation 2196407 (VCV002196407.3), dbSNP rs758359050, ClinGen allele CA7725186.